The following is an entry in ClinVar:

ClinVar aggregate classification (germline): Uncertain significance (1 of 4 stars; one submission).

Allele frequency attached by ClinVar (database versions not stated): gnomAD exomes below 0.00001; ExAC 0.00001.
gnomAD v4.1: 3 of 1,612,160 alleles (0.00019%); highest among the groups gnomAD compares: Non-Finnish European, 0.00025%; no homozygotes.

Submission:

Labcorp Genetics (formerly Invitae), Labcorp
Classification: Uncertain significance. Last evaluated: 2022-03-05. Review status: criteria provided, single submitter. Criteria: Invitae Variant Classification Sherloc (09022015). Collection method: clinical testing. Allele origin: germline.
Comment: This variant is present in population databases (rs754996211, gnomAD 0.0009%). This sequence change affects codon 208 of the RASA2 mRNA. It is a 'silent' change, meaning that it does not change the encoded amino acid sequence of the RASA2 protein. This variant has not been reported in the literature in individuals affected with RASA2-related conditions. Algorithms developed to predict the effect of sequence changes on RNA splicing suggest that this variant may disrupt the consensus splice site. In summary, the available evidence is currently insufficient to determine the role of this variant in disease. Therefore, it has been classified as a Variant of Uncertain Significance.

NM_006506.5(RASA2):c.624G>A (p.Lys208=)

Gene: RASA2 (RAS p21 protein activator 2; plus strand). Cytogenetic location: 3q23.
Variant type: single nucleotide variant.
Coding change: c.624G>A on transcript NM_006506.5 (MANE Select); coding-DNA position 624, G replaced by A.
Protein change: p.Lys208=; no amino-acid change (lysine 208 retained).
Molecular consequence: synonymous variant.
Genome position (GRCh38, 1-based): chr3:141,555,852, G>A. VCF-style: chr3-141555852-G-A. GRCh37 (hg19) VCF-style: chr3-141274694-G-A.
Other names: c.624G>A, p.Lys208= (NM_001303245.3, NM_001303246.3).
Identifiers: ClinVar variation 2107178 (VCV002107178.4), dbSNP rs754996211, ClinGen allele CA2645259.